The following is an entry in ClinVar:

NM_020975.6(RET):c.2372A>T (p.Tyr791Phe)

Gene: RET (ret proto-oncogene; plus strand). Cytogenetic location: 10q11.21.
Variant type: single nucleotide variant.
Coding change: c.2372A>T on transcript NM_020975.6 (MANE Select); coding-DNA position 2372, A replaced by T.
Protein change: p.Tyr791Phe; replaces tyrosine 791 with phenylalanine.
Molecular consequence: missense variant.
Genome position (GRCh38, 1-based): chr10:43,118,460, A>T. VCF-style: chr10-43118460-A-T. GRCh37 (hg19) VCF-style: chr10-43613908-A-T.
Other names: p.Y791F:TAT>TTT; c.2084A>T, p.Tyr695Phe (NM_001406767.1, NM_001406770.1, NM_001406766.1); c.2108A>T, p.Tyr703Phe (NM_001406768.1); c.1976A>T, p.Tyr659Phe (NM_001406769.1, NM_001406772.1); c.1934A>T, p.Tyr645Phe (NM_001406771.1, NM_001406773.1); c.1847A>T, p.Tyr616Phe (NM_001406774.1); c.1646A>T, p.Tyr549Phe (NM_001406775.1, NM_001406776.1, NM_001406777.1 and 1 more transcripts); c.1346A>T, p.Tyr449Phe (NM_001406786.1, NM_001406783.1); and 11 more; short protein forms Y791F, Y537F, Y447F, Y452F, Y461F, Y549F, Y616F, Y695F.
Identifiers: ClinVar variation 13936 (VCV000013936.96), dbSNP rs77724903, ClinGen allele CA008726.

ClinVar aggregate classification (germline): Conflicting classifications of pathogenicity. Review status: criteria provided, conflicting classifications (1 of 4 stars). 31 submissions from 28 submitters: Pathogenic (1); Benign (8); Likely benign (15). 7 of the submissions do not count toward it. Last evaluated 2026-08-01.

Conditions:
Multiple endocrine neoplasia type 2A. Also called: MULTIPLE ENDOCRINE NEOPLASIA, TYPE IIA; PTC SYNDROME; SIPPLE SYNDROME; MEN 2A; MEN-2A syndrome; Pheochromocytoma and amyloid producing medullary thyroid carcinoma. Identifiers: Orphanet 247698, Orphanet 653, MedGen C0025268, MeSH D018813, MONDO:0008234, OMIM 171400.
Pheochromocytoma. Also called: MAX-Related Hereditary Paraganglioma-Pheochromocytoma Syndrome. Identifiers: Orphanet 29072, MedGen C0031511, MONDO:0008233, OMIM 171300, HP:0002666.
Familial medullary thyroid carcinoma (MTC). Also called: Thyroid cancer, familial medullary; MTC, familial; Familial Medullary Thyroid Carcinoma (FMTC). Identifiers: Orphanet 653, Orphanet 99361, MedGen C1833921, MONDO:0007958, OMIM 155240.
Multiple endocrine neoplasia type 2B. Also called: MEN 2B; Multiple endocrine neoplasia, type 3; MULTIPLE ENDOCRINE NEOPLASIA, TYPE IIB; MUCOSAL NEUROMA SYNDROME; NEUROMATA, MUCOSAL, WITH ENDOCRINE TUMORS; WAGENMANN-FROBOESE SYNDROME. Identifiers: Orphanet 247709, Orphanet 653, MedGen C0025269, MeSH D018814, MONDO:0008082, OMIM 162300.
Hirschsprung disease, susceptibility to, 1 (HSCR1). Also called: RET-Related Hirschsprung Disease. Identifiers: Orphanet 388, MedGen C3888239, MONDO:0007723, OMIM 142623.
Hereditary cancer-predisposing syndrome. Also called: Neoplastic Syndromes, Hereditary; Tumor predisposition; Hereditary neoplastic syndrome; Hereditary Cancer Syndrome. Identifiers: Orphanet 140162, MedGen C0027672, MeSH D009386, MONDO:0015356.
Multiple endocrine neoplasia. Identifiers: Orphanet 276161, MedGen C0027662, MONDO:0017169.
Aganglionic megacolon (HSCR). Also called: Hirschsprung's disease; Hirschsprung disease. Identifiers: Orphanet 388, MedGen C0019569, MeSH D006627, MONDO:0018309, HP:0002251.
Multiple endocrine neoplasia, type 2 (MEN2). Identifiers: Orphanet 653, MedGen C4048306, MONDO:0019003. Disease mechanism: gain of function.
Familial cancer of breast. Also called: Hereditary breast cancer; hereditary breast carcinoma; BREAST CANCER, FAMILIAL. Identifiers: Orphanet 227535, MedGen C0346153, MONDO:0016419, OMIM 114480. Disease mechanism: loss of function.
Renal hypodysplasia/aplasia 1 (RHDA1). Also called: RENAL APLASIA; HEREDITARY RENAL APLASIA. Identifiers: Orphanet 411709, MedGen C1619700, MONDO:0024519, OMIM 191830.

Allele frequency attached by ClinVar (database versions not stated): TOPMed 0.00111; gnomAD 0.00171 and 0.00178; ExAC 0.00180; 1000 Genomes Project 30x 0.00016; 1000 Genomes Project 0.00020.
gnomAD v4.1: 2,274 of 1,613,928 alleles (0.14%); highest among the groups gnomAD compares: Non-Finnish European, 0.12%; 4 homozygotes.

Submissions 1 to 16 of 31:

CeGaT Center for Human Genetics Tuebingen
Classification: Likely benign. Last evaluated: 2026-08-01. Review status: criteria provided, single submitter. Criteria: CeGaT Center For Human Genetics Tuebingen Variant Classification Criteria Version 2. Collection method: clinical testing. Allele origin: germline. Affected: yes. Observed: 62 variant alleles.
Comment: RET: PM5, BS1

Labcorp Genetics (formerly Invitae), Labcorp
Classification: Benign for Multiple endocrine neoplasia, type 2. Last evaluated: 2026-02-04. Review status: criteria provided, single submitter. Criteria: Invitae Variant Classification Sherloc (09022015). Collection method: clinical testing. Allele origin: germline.

Center for Genomic Medicine, Rigshospitalet, Copenhagen University Hospital
Classification: Likely benign. Last evaluated: 2025-03-04. Review status: criteria provided, single submitter. Criteria: ACMG Guidelines, 2015. Collection method: clinical testing. Allele origin: germline.

Mayo Clinic Laboratories, Mayo Clinic
Classification: Likely benign. Last evaluated: 2025-01-20. Review status: criteria provided, single submitter. Criteria: ACMG Guidelines, 2015. Collection method: clinical testing. Allele origin: germline. Observed: 9 variant alleles.
Comment: BS1

Blueprint Genetics
Classification: Likely benign. Last evaluated: 2024-11-26. Review status: criteria provided, single submitter. Criteria: ACMG Guidelines, 2015. Collection method: clinical testing. Allele origin: germline.

Department of Pathology and Laboratory Medicine, Sinai Health System
Classification: Benign for Hirschsprung disease, susceptibility to, 1; Familial medullary thyroid carcinoma; Multiple endocrine neoplasia type 2B; Pheochromocytoma; Multiple endocrine neoplasia type 2A. Last evaluated: 2024-06-06. Review status: criteria provided, single submitter. Criteria: ACMG Guidelines, 2015. Collection method: clinical testing. Allele origin: germline. Affected: yes.

Myriad Genetics, Inc.
Classification: Likely benign for Multiple endocrine neoplasia type 2A. Last evaluated: 2023-04-18. Review status: criteria provided, single submitter. Criteria: Myriad Autosomal Dominant, Autosomal Recessive and X-Linked Classification Criteria (2023). Collection method: clinical testing. Allele origin: unknown.
Comment: This variant is considered likely benign. This variant has been observed at a population frequency that is significantly greater than expected given the associated disease prevalence and penetrance.

Color Diagnostics, LLC DBA Color Health
Classification: Benign for Multiple endocrine neoplasia, type 2. Last evaluated: 2022-09-21. Review status: criteria provided, single submitter. Criteria: ACMG Guidelines, 2015. Collection method: clinical testing. Allele origin: germline.

ARUP Laboratories, Molecular Genetics and Genomics, ARUP Laboratories
Classification: Likely benign. Last evaluated: 2022-03-31. Review status: criteria provided, single submitter. Criteria: ARUP Molecular Germline Variant Investigation Process 2021. Collection method: clinical testing. Allele origin: germline.

Women's Health and Genetics/Laboratory Corporation of America, LabCorp
Classification: Benign. Last evaluated: 2020-12-08. Review status: criteria provided, single submitter. Criteria: LabCorp Variant Classification Summary - May 2015. Collection method: clinical testing. Allele origin: germline.
Comment: Variant summary: RET c.2372A>T (p.Tyr791Phe) results in a conservative amino acid change located in the Protein kinase domain (IPR000719) of the encoded protein sequence. Four of five in-silico tools predict a damaging effect of the variant on protein function. The variant allele was found at a frequency of 0.0021 in 251108 control chromosomes (gnomAD). The observed variant frequency is approximately 56-fold the estimated maximal expected allele frequency for a pathogenic variant in RET causing Multiple Endocrine Neoplasia Type 2 phenotype (3.7e-05), strongly suggesting that the variant is benign. c.2372A>T has been reported in the literature in individuals affected with medullary thyroid carcinoma, pheochromocytoma and Hirschsprung Disease (e.g. Berndt_1998, Elisei_2019, Neumann_2002, Seri_1997, Tamanaha_2007), but also in unaffected controls (e.g. Amendola_2015). Importantly, the variant was found not to segregate with disease in multiple family studies that included unaffected carriers (e.g. Berndt_1998, Elisei_2019, Vestergaard_2007). In addition, co-occurrences with other pathogenic variants have been reported in several affected families (e.g. RET c.1901G>A, p.Cys634Tyr; Valente_2013), providing further supporting evidence for a benign role. Toledo et al (2015) carried out a comprehensive evaluation of the variant through analysis of control data and germline and somatic occurrences in affected individuals/families in an extensive literature review and concluded that, even though limited data in early studies had initially led to the misclassification of RET Y791F as a probable pathogenic variant, the variant on its own does not associate with disease. Fifteen other ClinVar submitters (evaluation after 2014) cite the variant with conflicting assessments, including benign/likely benign (n=12), uncertain significance (n=2) and pathogenic (n=1). Based on the evidence outlined above, the variant was classified as benign.

Laboratory for Molecular Medicine, Mass General Brigham Personalized Medicine
Classification: Benign. Last evaluated: 2020-07-01. Review status: criteria provided, single submitter. Criteria: LMM Criteria. Collection method: clinical testing. Allele origin: germline. Observed: 1 variant allele.
Comment: The p.Tyr791Phe variant in RET has been reported in individuals with a variety of disorders (MEN, FMTC, pheochromocytoma and paraganglioma) including an individual with central hypoventilation syndrome and Hirschsprung disease (Fitze 2003 PMID: 12566528) but is classified as benign because it has been identified in 1.57% (163/10356) of Ashkenazi Jewish chromosomes by gnomAD. ACMG/AMP Criteria applied: BA1.

Sema4
Classification: Benign for Hereditary cancer-predisposing syndrome. Last evaluated: 2020-03-26. Review status: criteria provided, single submitter. Criteria: Sema4 Curation Guidelines. Collection method: curation. Allele origin: germline.

Genetic Services Laboratory, University of Chicago
Classification: Benign. Last evaluated: 2019-08-14. Review status: criteria provided, single submitter. Criteria: ACMG Guidelines, 2015. Collection method: clinical testing. Allele origin: germline. Affected: no.

Mendelics
Classification: Likely benign for Multiple endocrine neoplasia type 2A. Last evaluated: 2019-05-28. Review status: criteria provided, single submitter. Criteria: Mendelics Assertion Criteria 2017. Collection method: clinical testing. Allele origin: unknown.

Ambry Genetics
Classification: Likely benign for Hereditary cancer-predisposing syndrome. Last evaluated: 2019-03-29. Review status: criteria provided, single submitter. Criteria: Ambry Variant Classification Scheme 2023. Collection method: clinical testing. Allele origin: germline.

Institute of Human Genetics, University of Leipzig Medical Center
Classification: Likely benign for Multiple endocrine neoplasia type 2B. Last evaluated: 2019-01-01. Review status: criteria provided, single submitter. Criteria: ACMG Guidelines, 2015. Collection method: clinical testing. Allele origin: unknown. Affected: yes.